The following is an entry in ClinVar:

ClinVar aggregate classification (germline): Likely pathogenic (1 of 4 stars; one submission).

Allele frequency attached by ClinVar (database versions not stated): gnomAD exomes below 0.00001.
gnomAD v4.1: 1 of 1,614,034 alleles (0.000062%); highest among the groups gnomAD compares: Non-Finnish European, 0.000085%; no homozygotes.

Submission:

Labcorp Genetics (formerly Invitae), Labcorp
Classification: Likely pathogenic. Last evaluated: 2023-03-02. Review status: criteria provided, single submitter. Criteria: Invitae Variant Classification Sherloc (09022015). Collection method: clinical testing. Allele origin: germline.
Comment: In summary, the currently available evidence indicates that the variant is pathogenic, but additional data are needed to prove that conclusively. Therefore, this variant has been classified as Likely Pathogenic. This variant disrupts the p.Gly1525 amino acid residue in COL7A1. Other variant(s) that disrupt this residue have been determined to be pathogenic (PMID: 32484238). This suggests that this residue is clinically significant, and that variants that disrupt this residue are likely to be disease-causing. This variant disrupts the triple helix domain of COL7A1. Glycine residues within the Gly-Xaa-Yaa repeats of the triple helix domain are required for the structure and stability of fibrillar collagens (PMID: 7695699, 8218237, 19344236), and variants at these glycine residues in COL7A1 are more frequently observed in individuals with disease than in the general population (PMID: 22058051). However, the clinical significance of this observation remains uncertain since only a limited number of affected individuals have been described to date. Advanced modeling of protein sequence and biophysical properties (such as structural, functional, and spatial information, amino acid conservation, physicochemical variation, residue mobility, and thermodynamic stability) performed at Invitae indicates that this missense variant is expected to disrupt COL7A1 protein function. This variant has not been reported in the literature in individuals affected with COL7A1-related conditions. This sequence change replaces glycine, which is neutral and non-polar, with glutamic acid, which is acidic and polar, at codon 1525 of the COL7A1 protein (p.Gly1525Glu). This variant is not present in population databases (gnomAD no frequency).

Literature cited by the submitters: PubMed 32484238; PubMed 7695699; PubMed 8218237; PubMed 19344236; PubMed 22058051.

NM_000094.4(COL7A1):c.4574G>A (p.Gly1525Glu)

Gene: COL7A1 (collagen type VII alpha 1 chain; minus strand). Cytogenetic location: 3p21.31.
Variant type: single nucleotide variant.
Coding change: c.4574G>A on transcript NM_000094.4 (MANE Select); coding-DNA position 4574, G replaced by A.
Protein change: p.Gly1525Glu; replaces glycine 1525 with glutamic acid.
Molecular consequence: missense variant.
Genome position (GRCh38, 1-based): chr3:48,582,503, C>T on the plus strand (G>A on the coding strand, the complement: COL7A1 is on the minus strand). VCF-style: chr3-48582503-C-T. GRCh37 (hg19) VCF-style: chr3-48619936-C-T.
Other names: short protein forms G1525E.
Identifiers: ClinVar variation 2842325 (VCV002842325.3), dbSNP rs2531124019, ClinGen allele CA352688146.